The following is an entry in ClinVar:

ClinVar aggregate classification (germline): Uncertain significance (1 of 4 stars; one submission).

Allele frequency attached by ClinVar (database versions not stated): TOPMed below 0.00001; gnomAD exomes 0.00001; ExAC 0.00002.

Submission:

Labcorp Genetics (formerly Invitae), Labcorp
Classification: Uncertain significance. Last evaluated: 2022-08-09. Review status: criteria provided, single submitter. Criteria: Invitae Variant Classification Sherloc (09022015). Collection method: clinical testing. Allele origin: germline.
Comment: In summary, the available evidence is currently insufficient to determine the role of this variant in disease. Therefore, it has been classified as a Variant of Uncertain Significance. Algorithms developed to predict the effect of missense changes on protein structure and function are either unavailable or do not agree on the potential impact of this missense change (SIFT: "Deleterious"; PolyPhen-2: "Probably Damaging"; Align-GVGD: "Class C0"). ClinVar contains an entry for this variant (Variation ID: 1374747). This variant has not been reported in the literature in individuals affected with TMEM38B-related conditions. This variant is present in population databases (rs754285777, gnomAD 0.004%). This sequence change replaces histidine, which is basic and polar, with glutamine, which is neutral and polar, at codon 206 of the TMEM38B protein (p.His206Gln).

NM_018112.3(TMEM38B):c.618T>A (p.His206Gln)

Gene: TMEM38B (transmembrane protein 38B; plus strand). Cytogenetic location: 9q31.2.
Variant type: single nucleotide variant.
Coding change: c.618T>A on transcript NM_018112.3 (MANE Select); coding-DNA position 618, T replaced by A.
Protein change: p.His206Gln; replaces histidine 206 with glutamine.
Molecular consequence: missense variant.
Genome position (GRCh38, 1-based): chr9:105,748,148, T>A. VCF-style: chr9-105748148-T-A. GRCh37 (hg19) VCF-style: chr9-108510429-T-A.
Other names: short protein forms H206Q.
Identifiers: ClinVar variation 1374747 (VCV001374747.6), dbSNP rs754285777, ClinGen allele CA5170943.
Genomic context (GRCh38, chr9:105,748,148, plus strand): 5'-CCTGCTGGGGTCAGTTATCTTCACATTCCAGCACACCCAGCATCTGGCAATATCAAAGCA[T>A]AATCTTATGTTCCTTTATACCATCTTTATTGTGGCCACAAAGGTAAGAATTCAAAGTACC-3'
Protein context (NP_060582.1, residues 196-216): QHTQHLAISK[His206Gln]NLMFLYTIFI